The following is an entry in ClinVar:

NC_000005.10:g.112707462G>C

Gene: APC (APC regulator of Wnt signaling pathway; plus strand). Cytogenetic location: 5q22.2.
Variant type: single nucleotide variant.
Genome position: GRCh38 VCF-style: chr5-112707462-G-C. GRCh37 (hg19) VCF-style: chr5-112043159-G-C.
Identifiers: ClinVar variation 469870 (VCV000469870.10), dbSNP rs1409487828, ClinGen allele CA658655878.
Genomic context (GRCh38, chr5:112,707,462, plus strand): 5'-AGTGCCCGGCAAGCGGAGCGCAGCACCCATTGCGCCTGCGCATAACAGGCTCTAGTCTCC[G>C]GGCTGTGGGAAGCCAGCAACACCTCTCACGCATGCGCATTGTAGTCTTCCCACCTCCCAC-3'

ClinVar aggregate classification (germline): Uncertain significance (1 of 4 stars; one submission).

Conditions:
Familial adenomatous polyposis 1 (FAP1). Also called: FAMILIAL ADENOMATOUS POLYPOSIS 1, ATTENUATED; POLYPOSIS, ADENOMATOUS INTESTINAL. Identifiers: MedGen C2713442, MONDO:0021056, OMIM 175100. Disease mechanism: loss of function.

Submission:

Labcorp Genetics (formerly Invitae), Labcorp
Classification: Uncertain significance for Familial adenomatous polyposis 1. Last evaluated: 2025-12-03. Review status: criteria provided, single submitter. Criteria: Invitae Variant Classification Sherloc (09022015). Collection method: clinical testing. Allele origin: germline.
Comment: This variant occurs in a non-coding region of the APC gene. It does not change the encoded amino acid sequence of the APC protein. This variant is not present in population databases (gnomAD no frequency). This variant has not been reported in the literature in individuals affected with APC-related conditions. ClinVar contains an entry for this variant (Variation ID: 469870). Experimental studies and prediction algorithms are not available or were not evaluated, and the functional significance of this variant is currently unknown. In summary, the available evidence is currently insufficient to determine the role of this variant in disease. Therefore, it has been classified as a Variant of Uncertain Significance.